The following is an entry in ClinVar:

NM_002529.4(NTRK1):c.2046+1G>A

Gene: NTRK1 (neurotrophic receptor tyrosine kinase 1; plus strand). Cytogenetic location: 1q23.1.
Variant type: single nucleotide variant.
Coding change: c.2046+1G>A on transcript NM_002529.4 (MANE Select); the canonical splice donor site of the intron after coding-DNA position 2046, G replaced by A.
Molecular consequence: splice donor variant.
Genome position (GRCh38, 1-based): chr1:156,879,363, G>A. VCF-style: chr1-156879363-G-A. GRCh37 (hg19) VCF-style: chr1-156849155-G-A.
Other names: c.1938+1G>A (NM_001007792.1); c.2028+1G>A (NM_001012331.2).
Identifiers: ClinVar variation 4814513 (VCV004814513.1).

ClinVar aggregate classification (germline): Likely pathogenic (1 of 4 stars; one submission).

Conditions:
Hereditary insensitivity to pain with anhidrosis (CIPA). Also called: INSENSITIVITY TO PAIN, CONGENITAL, WITH ANHIDROSIS; hereditary sensory and autonomic neuropathy type 4; FAMILIAL DYSAUTONOMIA, TYPE II; NEUROPATHY, CONGENITAL SENSORY, WITH ANHIDROSIS; NTRK1 Congenital Insensitivity to Pain with Anhidrosis; HSAN Type IV. Identifiers: Orphanet 642, MedGen C0020074, MONDO:0009746, OMIM 256800.

Submission:

Natera, Inc.
Classification: Likely pathogenic for Hereditary insensitivity to pain with anhidrosis. Last evaluated: 2024-03-27. Review status: criteria provided, single submitter. Criteria: Natera Variant Classification Schema (03/2026). Collection method: clinical testing. Allele origin: germline.
Comment: The c.2028+1G>A variant in NTRK1 is a canonical splice donor site variant predicted to affect pre-mRNA splicing, which may result in an abnormal transcript and altered protein product. This variant is expected to result in nonsense mediated decay, truncation, or a dysfunctional protein product. This variant is rare in the general population with a frequency below the threshold expected for the associated phenotype(s). Given the available evidence, this variant is classified as Likely Pathogenic.